The following is an entry in ClinVar:

NM_001023.4(RPS20):c.227C>T (p.Thr76Met)

Gene: RPS20 (ribosomal protein S20; minus strand). Cytogenetic location: 8q12.1.
Variant type: single nucleotide variant.
Coding change: c.227C>T on transcript NM_001023.4 (MANE Select); coding-DNA position 227, C replaced by T.
Protein change: p.Thr76Met; replaces threonine 76 with methionine.
Molecular consequence: missense variant.
Genome position (GRCh38, 1-based): chr8:56,073,223, G>A on the plus strand (C>T on the coding strand, the complement: RPS20 is on the minus strand). VCF-style: chr8-56073223-G-A. GRCh37 (hg19) VCF-style: chr8-56985782-G-A.
Other names: c.227C>T, p.Thr76Met (NM_001146227.3); short protein forms T76M.
Identifiers: ClinVar variation 3704881 (VCV003704881.2).

ClinVar aggregate classification (germline): Uncertain significance (1 of 4 stars; one submission).

Submission:

Labcorp Genetics (formerly Invitae), Labcorp
Classification: Uncertain significance. Last evaluated: 2024-04-14. Review status: criteria provided, single submitter. Criteria: Invitae Variant Classification Sherloc (09022015). Collection method: clinical testing. Allele origin: germline.
Comment: This sequence change replaces threonine, which is neutral and polar, with methionine, which is neutral and non-polar, at codon 76 of the RPS20 protein (p.Thr76Met). This variant is present in population databases (no rsID available, gnomAD 0.004%). This variant has not been reported in the literature in individuals affected with RPS20-related conditions. An algorithm developed to predict the effect of missense changes on protein structure and function (PolyPhen-2) suggests that this variant is likely to be disruptive. In summary, the available evidence is currently insufficient to determine the role of this variant in disease. Therefore, it has been classified as a Variant of Uncertain Significance.